The following is an entry in ClinVar:

ClinVar aggregate classification (germline): Uncertain significance (1 of 4 stars; one submission).

Conditions:
Idiopathic generalized epilepsy. Also called: Generalised epilepsy; EIG. Identifiers: MedGen C0270850, MONDO:0005579, OMIM 600669.
Hyperaldosteronism, familial, type IV (HALD4). Also called: FH IV; ALDOSTERONISM, PRIMARY, AND HYPERTENSION. Identifiers: Orphanet 642671, MedGen C4310756, MONDO:0014875, OMIM 617027.

Allele frequency attached by ClinVar (database versions not stated): gnomAD 0.00001; TOPMed 0.00001.
gnomAD v4.1: 2 of 1,579,702 alleles (0.00013%); highest among the groups gnomAD compares: African/African-American, 0.0027%; no homozygotes.

Submission:

Labcorp Genetics (formerly Invitae), Labcorp
Classification: Uncertain significance for Idiopathic generalized epilepsy; Hyperaldosteronism, familial, type IV. Last evaluated: 2021-08-24. Review status: criteria provided, single submitter. Criteria: Invitae Variant Classification Sherloc (09022015). Collection method: clinical testing. Allele origin: germline.
Comment: In summary, the available evidence is currently insufficient to determine the role of this variant in disease. Therefore, it has been classified as a Variant of Uncertain Significance. Algorithms developed to predict the effect of sequence changes on RNA splicing suggest that this variant may create or strengthen a splice site. This variant has not been reported in the literature in individuals affected with CACNA1H-related conditions. This variant is not present in population databases (ExAC no frequency). This sequence change falls in intron 14 of the CACNA1H gene. It does not directly change the encoded amino acid sequence of the CACNA1H protein.

NM_021098.3(CACNA1H):c.3064-19T>A

Gene: CACNA1H (calcium voltage-gated channel subunit alpha1 H; plus strand). Cytogenetic location: 16p13.3.
Variant type: single nucleotide variant.
Coding change: c.3064-19T>A on transcript NM_021098.3 (MANE Select); 19 bases into the intron before coding-DNA position 3064, T replaced by A.
Molecular consequence: intron variant.
Genome position (GRCh38, 1-based): chr16:1,207,751, T>A. VCF-style: chr16-1207751-T-A. GRCh37 (hg19) VCF-style: chr16-1257751-T-A.
Other names: c.3064-19T>A (NM_001005407.2).
Identifiers: ClinVar variation 1499118 (VCV001499118.6), dbSNP rs1322960336, ClinGen allele CA718064418.